The following is an entry in ClinVar:

ClinVar aggregate classification (germline): Uncertain significance (1 of 4 stars; one submission).

Conditions:
Inborn genetic diseases. Identifiers: MedGen C0950123, MeSH D030342.

Submission:

Ambry Genetics
Classification: Uncertain significance for Inborn genetic diseases. Last evaluated: 2026-04-02. Review status: criteria provided, single submitter. Criteria: Ambry Variant Classification Scheme 2023. Collection method: clinical testing. Allele origin: germline.
Comment: The p.F137L variant (also known as c.411C>A), located in coding exon 3 of the USB1 gene, results from a C to A substitution at nucleotide position 411. The phenylalanine at codon 137 is replaced by leucine, an amino acid with highly similar properties. This amino acid position is conserved. In addition, the in silico prediction for this alteration is inconclusive. Based on the available evidence, the clinical significance of this variant remains unclear.

NM_024598.4(USB1):c.411C>A (p.Phe137Leu)

Gene: USB1 (U6 snRNA biogenesis phosphodiesterase 1; plus strand). Cytogenetic location: 16q21.
Variant type: single nucleotide variant.
Coding change: c.411C>A on transcript NM_024598.4 (MANE Select); coding-DNA position 411, C replaced by A.
Protein change: p.Phe137Leu; replaces phenylalanine 137 with leucine.
Molecular consequence: missense variant.
Genome position (GRCh38, 1-based): chr16:58,010,074, C>A. VCF-style: chr16-58010074-C-A. GRCh37 (hg19) VCF-style: chr16-58043978-C-A.
Other names: c.411C>A, p.Phe137Leu (NM_001195302.2, NM_001204911.2, NM_001330569.2); c.258C>A, p.Phe86Leu (NM_001330568.2); short protein forms F137L, F86L.
Identifiers: ClinVar variation 4866346 (VCV004866346.1).